The following is an entry in ClinVar:

NM_002971.6(SATB1):c.117G>T (p.Pro39=)

Gene: SATB1 (SATB homeobox 1; minus strand). Cytogenetic location: 3p24.3.
Variant type: single nucleotide variant.
Coding change: c.117G>T on transcript NM_002971.6 (MANE Select); coding-DNA position 117, G replaced by T.
Protein change: p.Pro39=; no amino-acid change (proline 39 retained).
Molecular consequence: synonymous variant. On other transcripts: intron variant (1).
Genome position (GRCh38, 1-based): chr3:18,420,851, C>A on the plus strand (G>T on the coding strand, the complement: SATB1 is on the minus strand). VCF-style: chr3-18420851-C-A. GRCh37 (hg19) VCF-style: chr3-18462343-C-A.
Other names: c.117G>T, p.Pro39= (NM_001131010.4, NM_001195470.3, NM_001322871.2 and 4 more transcripts); c.-5-3773G>T (NM_001322876.2).
Identifiers: ClinVar variation 2653621 (VCV002653621.24), dbSNP rs150879927, ClinGen allele CA2282290.
Genomic context (GRCh38, chr3:18,420,851, plus strand): 5'-GTGTTTTAAAGGCACTCCCTGCATTTTTGCACCTGTACTCCCAAGCCTTCCTCTTCCTAG[C>A]GGGCTCCCGTTCTGCTCCAGGCGGGCAATCTTGGCTGGTGGACCCTTCGGATCACTCACA-3'
Protein context (NP_002962.1, residues 29-49): KIARLEQNGS[Pro39=]LGRGRLGSTG

ClinVar aggregate classification (germline): Likely benign (1 of 4 stars; one submission).

Allele frequency attached by ClinVar (database versions not stated): ESP Exome Variant Server 0.00031.
gnomAD v4.1: 489 of 1,614,078 alleles (0.03%); highest among the groups gnomAD compares: Non-Finnish European, 0.039%; 1 homozygote.

Submission:

CeGaT Center for Human Genetics Tuebingen
Classification: Likely benign. Last evaluated: 2022-12-01. Review status: criteria provided, single submitter. Criteria: CeGaT Center For Human Genetics Tuebingen Variant Classification Criteria Version 2. Collection method: clinical testing. Allele origin: germline. Affected: yes. Observed: 1 variant allele.
Comment: SATB1: BP4, BP7